The following is an entry in ClinVar:

NM_001394998.1(TANC2):c.101A>G (p.Gln34Arg)

Gene: TANC2 (tetratricopeptide repeat, ankyrin repeat and coiled-coil containing 2; plus strand). Cytogenetic location: 17q23.2.
Variant type: single nucleotide variant.
Coding change: c.101A>G on transcript NM_001394998.1 (MANE Select); coding-DNA position 101, A replaced by G.
Protein change: p.Gln34Arg; replaces glutamine 34 with arginine.
Molecular consequence: missense variant.
Genome position (GRCh38, 1-based): chr17:63,073,976, A>G. VCF-style: chr17-63073976-A-G. GRCh37 (hg19) VCF-style: chr17-61151337-A-G.
Other names: c.101A>G, p.Gln34Arg (NM_001411076.1, NM_025185.4); short protein forms Q34R.
Identifiers: ClinVar variation 2662600 (VCV002662600.1), dbSNP rs2036488533, ClinGen allele CA400791985.

ClinVar aggregate classification (germline): Uncertain significance (1 of 4 stars; one submission).

Allele frequency attached by ClinVar (database versions not stated): gnomAD 0.00001.
gnomAD v4.1: 2 of 1,590,196 alleles (0.00013%); highest among the groups gnomAD compares: Admixed American, 0.0018%; no homozygotes.

Submission:

GeneDx
Classification: Uncertain significance. Last evaluated: 2023-05-18. Review status: criteria provided, single submitter. Criteria: GeneDx Variant Classification Process June 2021. Collection method: clinical testing. Allele origin: germline. Affected: yes.
Comment: Not observed at significant frequency in large population cohorts (gnomAD); In silico analysis supports that this missense variant does not alter protein structure/function; Has not been previously published as pathogenic or benign to our knowledge